The following is an entry in ClinVar:

ClinVar aggregate classification (germline): Uncertain significance. Review status: criteria provided, multiple submitters, no conflicts (2 of 4 stars). 2 submissions from 2 submitters: Uncertain significance (2). Last evaluated 2024-11-27.

Conditions:
Renal cell carcinoma. Identifiers: Orphanet 217071, MedGen C0007134, MeSH D002292, MONDO:0005086, HP:0005584.
Hereditary cancer-predisposing syndrome. Also called: Neoplastic Syndromes, Hereditary; Tumor predisposition; Hereditary Cancer Syndrome; Hereditary neoplastic syndrome. Identifiers: Orphanet 140162, MedGen C0027672, MeSH D009386, MONDO:0015356.

Submissions (2):

Labcorp Genetics (formerly Invitae), Labcorp
Classification: Uncertain significance for Renal cell carcinoma. Last evaluated: 2024-11-27. Review status: criteria provided, single submitter. Criteria: Invitae Variant Classification Sherloc (09022015). Collection method: clinical testing. Allele origin: germline.
Comment: This sequence change replaces lysine, which is basic and polar, with asparagine, which is neutral and polar, at codon 512 of the MET protein (p.Lys512Asn). This variant is not present in population databases (gnomAD no frequency). This variant has not been reported in the literature in individuals affected with MET-related conditions. ClinVar contains an entry for this variant (Variation ID: 819492). Invitae Evidence Modeling of protein sequence and biophysical properties (such as structural, functional, and spatial information, amino acid conservation, physicochemical variation, residue mobility, and thermodynamic stability) indicates that this missense variant is not expected to disrupt MET protein function with a negative predictive value of 80%. In summary, the available evidence is currently insufficient to determine the role of this variant in disease. Therefore, it has been classified as a Variant of Uncertain Significance.

Ambry Genetics
Classification: Uncertain significance for Hereditary cancer-predisposing syndrome. Last evaluated: 2024-06-06. Review status: criteria provided, single submitter. Criteria: Ambry Variant Classification Scheme 2023. Collection method: clinical testing. Allele origin: germline.
Comment: The p.K512N variant (also known as c.1536G>T), located in coding exon 4 of the MET gene, results from a G to T substitution at nucleotide position 1536. The lysine at codon 512 is replaced by asparagine, an amino acid with similar properties. This amino acid position is highly conserved in available vertebrate species. In addition, this alteration is predicted to be tolerated by in silico analysis. Based on the available evidence, the clinical significance of this variant remains unclear.

NM_000245.4(MET):c.1536G>T (p.Lys512Asn)

Gene: MET (MET proto-oncogene, receptor tyrosine kinase; plus strand). Cytogenetic location: 7q31.2.
Variant type: single nucleotide variant.
Coding change: c.1536G>T on transcript NM_000245.4 (MANE Select); coding-DNA position 1536, G replaced by T.
Protein change: p.Lys512Asn; replaces lysine 512 with asparagine.
Molecular consequence: missense variant.
Genome position (GRCh38, 1-based): chr7:116,740,860, G>T. VCF-style: chr7-116740860-G-T. GRCh37 (hg19) VCF-style: chr7-116380914-G-T.
Other names: c.1536G>T, p.Lys512Asn (NM_001127500.3, NM_001324401.3); c.246G>T, p.Lys82Asn (NM_001324402.2); short protein forms K512N, K82N.
Identifiers: ClinVar variation 819492 (VCV000819492.7), dbSNP rs1584923073, ClinGen allele CA368974934.